The following is an entry in ClinVar:

NM_001166108.2(PALLD):c.1965-12679C>A

Gene: PALLD (palladin, cytoskeletal associated protein; plus strand). Cytogenetic location: 4q32.3.
Variant type: single nucleotide variant.
Coding change: c.1965-12679C>A on transcript NM_001166108.2 (MANE Select); 12679 bases into the intron before coding-DNA position 1965, C replaced by A.
Molecular consequence: intron variant. On other transcripts: missense variant (1).
Genome position (GRCh38, 1-based): chr4:168,878,243, C>A. VCF-style: chr4-168878243-C-A. GRCh37 (hg19) VCF-style: chr4-169799394-C-A.
Other names: c.352C>A, p.Pro118Thr (NM_001166110.2); c.1965-12679C>A (NM_016081.4); c.819-12679C>A (NM_001166109.2); c.-157-12679C>A (NM_001367570.1, NM_001367568.1, NM_001367567.1 and 1 more transcripts); short protein forms P118T.
Identifiers: ClinVar variation 4564189 (VCV004564189.1).
Genomic context (GRCh38, chr4:168,878,243, plus strand): 5'-CCCACGGCTGCCTTCCCGGTGCCCGACGTGTTCCCACTGCCGCCGCCACCACCGCCGCTC[C>A]CGAGCCCGGGACAGGCGTCCCACTGCTCGTCGCCTGCCACCCGCTTCGGCCACAGCCAGA-3'

ClinVar aggregate classification (germline): Uncertain significance (1 of 4 stars; one submission).

Submission:

Ambry Genetics
Classification: Uncertain significance. Last evaluated: 2025-11-24. Review status: criteria provided, single submitter. Criteria: Ambry Variant Classification Scheme 2023. Collection method: clinical testing. Allele origin: germline.
Comment: The p.P118T variant (also known as c.352C>A), located in coding exon 1 of the PALLD gene, results from a C to A substitution at nucleotide position 352. The proline at codon 118 is replaced by threonine, an amino acid with highly similar properties. This amino acid position is conserved. In addition, this alteration is predicted to be tolerated by in silico analysis. Based on the available evidence, the clinical significance of this variant remains unclear.